The following is an entry in ClinVar:

ClinVar aggregate classification (germline): Benign/Likely benign. Review status: criteria provided, multiple submitters, no conflicts (2 of 4 stars). 9 submissions from 9 submitters: Benign (7); Likely benign (1). 1 of the submissions does not count toward it. Last evaluated 2026-06-28.

Conditions:
Dubin-Johnson syndrome (DJS). Also called: HYPERBILIRUBINEMIA, DUBIN-JOHNSON TYPE; Hyperbilirubinemia type 2; Jaundice, Chronic Idiopathic. Identifiers: Orphanet 234, MedGen C0022350, MONDO:0009380, OMIM 237500.
ABCC2-related disorder. Also called: ABCC2-related condition.

Allele frequency attached by ClinVar (database versions not stated): TOPMed 0.18590; gnomAD 0.18604 and 0.18388; 1000 Genomes Project 30x 0.19066; 1000 Genomes Project 0.18650; gnomAD exomes 0.19098 and 0.20070; ESP Exome Variant Server 0.19214; ExAC 0.19530.

Submissions (9):

Women's Health and Genetics/Laboratory Corporation of America, LabCorp
Classification: Likely benign. Last evaluated: 2026-06-28. Review status: criteria provided, single submitter. Criteria: LabCorp Variant Classification Summary - May 2015. Collection method: clinical testing. Allele origin: germline.

Labcorp Genetics (formerly Invitae), Labcorp
Classification: Benign. Last evaluated: 2026-02-04. Review status: criteria provided, single submitter. Criteria: Invitae Variant Classification Sherloc (09022015). Collection method: clinical testing. Allele origin: germline.

Mayo Clinic Laboratories, Mayo Clinic
Classification: Benign. Last evaluated: 2025-03-22. Review status: criteria provided, single submitter. Criteria: ACMG Guidelines, 2015. Collection method: clinical testing. Allele origin: germline. Observed: 167 variant alleles.

Genome-Nilou Lab
Classification: Benign for Dubin-Johnson syndrome. Last evaluated: 2021-07-14. Review status: criteria provided, single submitter. Criteria: ACMG Guidelines, 2015. Collection method: clinical testing. Allele origin: germline. Affected: no.

GeneDx
Classification: Benign. Last evaluated: 2018-11-10. Review status: criteria provided, single submitter. Criteria: GeneDx Variant Classification Process June 2021. Collection method: clinical testing. Allele origin: germline. Affected: yes.
Comment: This variant is associated with the following publications: (PMID: 25087612, 22318656, 21691255, 15821043)

Eurofins Ntd Llc (ga)
Classification: Benign. Last evaluated: 2018-05-08. Review status: criteria provided, single submitter. Criteria: EGL ClinVar v180209 classification definitions. Collection method: clinical testing. Allele origin: germline. Observed: 2 variant alleles, 2 heterozygotes.

Illumina Laboratory Services, Illumina
Classification: Benign for Dubin-Johnson syndrome. Last evaluated: 2018-03-06. Review status: criteria provided, single submitter. Criteria: ICSL Variant Classification Criteria 13 December 2019. Collection method: clinical testing. Allele origin: germline.
Comment: This variant was observed in the ICSL laboratory as part of a predisposition screen in an ostensibly healthy population. It had not been previously curated by ICSL or reported in the Human Gene Mutation Database (HGMD: prior to June 1st, 2018), and was therefore a candidate for classification through an automated scoring system. Utilizing variant allele frequency, disease prevalence and penetrance estimates, and inheritance mode, an automated score was calculated to assess if this variant is too frequent to cause the disease. Based on the score and internal cut-off values, a variant classified as benign is not then subjected to further curation. The score for this variant resulted in a classification of benign for this disease.

Breakthrough Genomics
Classification: Benign. Review status: criteria provided, single submitter. Criteria: ACMG Guidelines, 2015. Collection method: not provided. Allele origin: germline. Inheritance: Autosomal recessive inheritance. Affected: yes.

PreventionGenetics, part of Exact Sciences
Classification: Benign for ABCC2-related condition. Last evaluated: 2023-01-16. Review status: no assertion criteria provided. Collection method: clinical testing. Allele origin: germline. Not counted in ClinVar's aggregate classification.
Comment: This variant is classified as benign based on ACMG/AMP sequence variant interpretation guidelines (Richards et al. 2015 PMID: 25741868, with internal and published modifications).

Literature cited by the submitters: PubMed 15821043 (cited by Eurofins Ntd Llc (ga)); PubMed 21691255 (cited by Eurofins Ntd Llc (ga)); PubMed 22318656 (cited by Eurofins Ntd Llc (ga)); PubMed 25087612 (cited by Eurofins Ntd Llc (ga)).

NM_000392.5(ABCC2):c.1249G>A (p.Val417Ile)

Gene: ABCC2 (ATP binding cassette subfamily C member 2; plus strand). Cytogenetic location: 10q24.2.
Variant type: single nucleotide variant.
Coding change: c.1249G>A on transcript NM_000392.5 (MANE Select); coding-DNA position 1249, G replaced by A.
Protein change: p.Val417Ile; replaces valine 417 with isoleucine.
Molecular consequence: missense variant.
Genome position (GRCh38, 1-based): chr10:99,804,058, G>A. VCF-style: chr10-99804058-G-A. GRCh37 (hg19) VCF-style: chr10-101563815-G-A.
Other names: c.1249G>A, p.Val417Ile (LRG_1208t1); c.1249G>A (NM_000392.4); short protein forms V417I.
Identifiers: ClinVar variation 255992 (VCV000255992.22), dbSNP rs2273697, ClinGen allele CA5643133.